The following is an entry in ClinVar:

NM_000156.6(GAMT):c.119C>T (p.Pro40Leu)

Genes: GAMT (guanidinoacetate N-methyltransferase; minus strand), LOC130062945 (ATAC-STARR-seq lymphoblastoid silent region 9707; plus strand). Cytogenetic location: 19p13.3.
Variant type: single nucleotide variant.
Coding change: c.119C>T on transcript NM_000156.6 (MANE Select); coding-DNA position 119, C replaced by T.
Protein change: p.Pro40Leu; replaces proline 40 with leucine.
Molecular consequence: missense variant.
Genome position (GRCh38, 1-based): chr19:1,401,358, G>A on the plus strand (C>T on the coding strand, the complement: GAMT is on the minus strand). VCF-style: chr19-1401358-G-A. GRCh37 (hg19) VCF-style: chr19-1401357-G-A.
Other names: c.119C>T, p.Pro40Leu (NM_138924.3); short protein forms P40L.
Identifiers: ClinVar variation 569288 (VCV000569288.8), dbSNP rs1222736128, ClinGen allele CA402998123.

ClinVar aggregate classification (germline): Uncertain significance (1 of 4 stars; one submission).

Conditions:
Cerebral creatine deficiency syndrome. Also called: Creatine deficiency syndromes. Identifiers: Orphanet 79172, MedGen C5244016, MONDO:0000456.

Allele frequency attached by ClinVar (database versions not stated): TOPMed 0.00001.

Submission:

Labcorp Genetics (formerly Invitae), Labcorp
Classification: Uncertain significance for Cerebral creatine deficiency syndrome. Last evaluated: 2020-12-18. Review status: criteria provided, single submitter. Criteria: Invitae Variant Classification Sherloc (09022015). Collection method: clinical testing. Allele origin: germline.
Comment: In summary, the available evidence is currently insufficient to determine the role of this variant in disease. Therefore, it has been classified as a Variant of Uncertain Significance. This sequence change replaces proline with leucine at codon 40 of the GAMT protein (p.Pro40Leu). The proline residue is highly conserved and there is a moderate physicochemical difference between proline and leucine. This variant is not present in population databases (ExAC no frequency). This variant has not been reported in the literature in individuals with GAMT-related disease. Algorithms developed to predict the effect of missense changes on protein structure and function are either unavailable or do not agree on the potential impact of this missense change (SIFT: "Deleterious"; PolyPhen-2: "Probably Damaging"; Align-GVGD: "Class C0").